The following is an entry in ClinVar:

NM_018163.3(DNAJC17):c.823_852dup (p.Ala284_Ala285insSerLeuValMetMetArgMetArgGlnAla)

Gene: DNAJC17 (DnaJ heat shock protein family (Hsp40) member C17; minus strand). Cytogenetic location: 15q15.1.
Variant type: Duplication.
Coding change: c.823_852dup on transcript NM_018163.3 (MANE Select); coding-DNA positions 823 to 852, 30 bases duplicated (AGCCTCGTCATGATGCGCATGCGCCAGGCG).
Protein change: p.Ala284_Ala285insSerLeuValMetMetArgMetArgGlnAla.
Molecular consequence: inframe insertion.
Genome position (GRCh38, 1-based): chr15:40,768,003-40,768,032, CGCCTGGCGCATGCGCATCATGACGAGGCT duplicated on the plus strand (AGCCTCGTCATGATGCGCATGCGCCAGGCG on the coding strand, the reverse complement: DNAJC17 is on the minus strand); duplicating any 30 consecutive bases within chr15:40,768,003-40,768,033 gives the same sequence; the c. name uses the placement nearest the transcript's 3' end. VCF-style (leftmost placement, unchanged base first): chr15-40768002-C-CCGCCTGGCGCATGCGCATCATGACGAGGCT. GRCh37 (hg19) VCF-style: chr15-41060200-C-CCGCCTGGCGCATGCGCATCATGACGAGGCT.
Identifiers: ClinVar variation 2033143 (VCV002033143.4), dbSNP rs2504645992, ClinGen allele CA2580089371.
Genomic context (GRCh38, chr15:40,768,002, plus strand): 5'-ACGTAGGCGGCCCCTCCTGGTCTTCCTGCTGCATCCGTGCGATCAGCTGTTGCCGCTCGG[C>CCGCCTGGCGCATGCGCATCATGACGAGGCT]CGCCTGGCGCATGCGCATCATGACGAGGCTCTCGTAGTCCCTCTCTGACAGCACTGAGCC-3'

ClinVar aggregate classification (germline): Uncertain significance (1 of 4 stars; one submission).

Submission:

Labcorp Genetics (formerly Invitae), Labcorp
Classification: Uncertain significance. Last evaluated: 2022-09-28. Review status: criteria provided, single submitter. Criteria: Invitae Variant Classification Sherloc (09022015). Collection method: clinical testing. Allele origin: germline.
Comment: In summary, the available evidence is currently insufficient to determine the role of this variant in disease. Therefore, it has been classified as a Variant of Uncertain Significance. This variant has not been reported in the literature in individuals affected with DNAJC17-related conditions. This variant is not present in population databases (gnomAD no frequency). This variant, c.823_852dup, results in the insertion of 10 amino acid(s) of the DNAJC17 protein (p.Ser275_Ala284dup), but otherwise preserves the integrity of the reading frame.